The following is an entry in ClinVar:

ClinVar aggregate classification (germline): Conflicting classifications of pathogenicity. Review status: criteria provided, conflicting classifications (1 of 4 stars). 2 submissions from 2 submitters: Uncertain significance (1); Likely benign (1). Last evaluated 2025-08-08.

Conditions:
LZTFL1-related disorder. Also called: LZTFL1-related condition.

gnomAD v4.1: 4 of 1,594,770 alleles (0.00025%); highest among the groups gnomAD compares: Non-Finnish European, 0.00034%; no homozygotes.

Submissions (2):

PreventionGenetics, part of Exact Sciences
Classification: Uncertain significance for LZTFL1-related condition. Last evaluated: 2025-08-08. Review status: criteria provided, single submitter. Criteria: ACMG Guidelines, 2015. Collection method: clinical testing. Allele origin: germline.
Comment: The LZTFL1 c.601-7T>C variant is predicted to interfere with splicing. To our knowledge, this variant has not been reported in the literature or in a large population database (gnomAD), indicating this variant is rare. At this time, the clinical significance of this variant is uncertain due to the absence of conclusive functional and genetic evidence.

Blueprint Genetics
Classification: Likely benign. Last evaluated: 2019-08-22. Review status: criteria provided, single submitter. Criteria: ACMG Guidelines, 2015. Collection method: clinical testing. Allele origin: germline.

NM_020347.4(LZTFL1):c.601-7T>C

Gene: LZTFL1 (leucine zipper transcription factor like 1; minus strand). Cytogenetic location: 3p21.31.
Variant type: single nucleotide variant.
Coding change: c.601-7T>C on transcript NM_020347.4 (MANE Select); 7 bases into the intron before coding-DNA position 601, T replaced by C.
Molecular consequence: intron variant.
Genome position (GRCh38, 1-based): chr3:45,828,622, A>G on the plus strand (T>C on the coding strand, the complement: LZTFL1 is on the minus strand). VCF-style: chr3-45828622-A-G. GRCh37 (hg19) VCF-style: chr3-45870114-A-G.
Other names: c.625-7T>C (NM_001405925.1, NM_001405920.1); c.589-7T>C (NM_001276379.2, NM_001405921.1); c.550-7T>C (NM_001405927.1, NM_001276378.2, NM_001405926.1 and 4 more transcripts); c.535-7T>C (NM_001405924.1); c.601-7T>C (NM_001386452.1, NM_020347.3).
Identifiers: ClinVar variation 4962052 (VCV004962052.2).